The following is an entry in ClinVar:

ClinVar aggregate classification (germline): Likely benign. Review status: criteria provided, multiple submitters, no conflicts (2 of 4 stars). 2 submissions from 2 submitters: Likely benign (2). Last evaluated 2026-04-01.

gnomAD v4.1: 866 of 1,596,830 alleles (0.054%); highest among the groups gnomAD compares: African/African-American, 0.85%; 4 homozygotes.

Submissions (2):

CeGaT Center for Human Genetics Tuebingen
Classification: Likely benign. Last evaluated: 2026-04-01. Review status: criteria provided, single submitter. Criteria: CeGaT Center For Human Genetics Tuebingen Variant Classification Criteria Version 2. Collection method: clinical testing. Allele origin: germline. Affected: yes. Observed: 1 variant allele.
Comment: MAST3: BP4, BP7, BS1

Blueprint Genetics
Classification: Likely benign. Last evaluated: 2024-07-18. Review status: criteria provided, single submitter. Criteria: ACMG Guidelines, 2015. Collection method: clinical testing. Allele origin: germline.

NM_001393504.1(MAST3):c.3435C>T (p.Pro1145=)

Gene: MAST3 (microtubule associated serine/threonine kinase 3; plus strand). Cytogenetic location: 19p13.11.
Variant type: single nucleotide variant.
Coding change: c.3435C>T on transcript NM_001393504.1 (MANE Select); coding-DNA position 3435, C replaced by T.
Protein change: p.Pro1145=; no amino-acid change (proline 1145 retained).
Molecular consequence: synonymous variant.
Genome position (GRCh38, 1-based): chr19:18,147,551, C>T. VCF-style: chr19-18147551-C-T. GRCh37 (hg19) VCF-style: chr19-18258361-C-T.
Other names: c.3459C>T, p.Pro1153= (NM_001393501.1); c.3438C>T, p.Pro1146= (NM_001393502.1); c.3435C>T, p.Pro1145= (NM_001393503.1); c.3405C>T, p.Pro1135= (NM_001393505.1); c.3387C>T, p.Pro1129= (NM_001393506.1, NM_001393507.1); c.3369C>T, p.Pro1123= (NM_001393508.1); c.3366C>T, p.Pro1122= (NM_001393509.1, NM_001393510.1); c.3363C>T, p.Pro1121= (NM_001393511.1, NM_001393512.1); and 9 more.
Identifiers: ClinVar variation 4872176 (VCV004872176.3).